The following is an entry in ClinVar:

NM_015466.4(PTPN23):c.1653C>T (p.Ala551=)

Gene: PTPN23 (protein tyrosine phosphatase non-receptor type 23; plus strand). Cytogenetic location: 3p21.31.
Variant type: single nucleotide variant.
Coding change: c.1653C>T on transcript NM_015466.4 (MANE Select); coding-DNA position 1653, C replaced by T.
Protein change: p.Ala551=; no amino-acid change (alanine 551 retained).
Molecular consequence: synonymous variant.
Genome position (GRCh38, 1-based): chr3:47,409,173, C>T. VCF-style: chr3-47409173-C-T. GRCh37 (hg19) VCF-style: chr3-47450663-C-T.
Other names: c.1275C>T, p.Ala425= (NM_001304482.2); c.1653C>T (NM_015466.3).
Identifiers: ClinVar variation 1601498 (VCV001601498.11), dbSNP rs141629698, ClinGen allele CA2365795.
Genomic context (GRCh38, chr3:47,409,173, plus strand): 5'-AGACTCGAGCTGGGGGTTTCTCTGGCCTCACTGACCACTGCTGCCCACAGAGGACAAGGC[C>T]GTGCTGCAAAACCTAAAGCGCATCCTGGCTAAGGTGCAGGAGATGCGGGACCAGCGCGTG-3'
Protein context (NP_056281.1, residues 541-561): PTPALSPEDK[Ala551=]VLQNLKRILA

ClinVar aggregate classification (germline): Benign/Likely benign. Review status: criteria provided, multiple submitters, no conflicts (2 of 4 stars). 3 submissions from 3 submitters: Benign (1); Likely benign (1). 1 of the submissions does not count toward it. Last evaluated 2026-09-01.

Conditions:
PTPN23-related disorder. Also called: PTPN23-related condition.

Allele frequency attached by ClinVar (database versions not stated): ESP Exome Variant Server 0.00008; gnomAD 0.00009; gnomAD exomes 0.00014 and 0.00062; ExAC 0.00052; 1000 Genomes Project 30x 0.00016; 1000 Genomes Project 0.00020; TOPMed 0.00024.
gnomAD v4.1: 220 of 1,613,846 alleles (0.014%); highest among the groups gnomAD compares: Admixed American, 0.3%; 2 homozygotes.

Submissions (3):

CeGaT Center for Human Genetics Tuebingen
Classification: Likely benign. Last evaluated: 2026-09-01. Review status: criteria provided, single submitter. Criteria: CeGaT Center For Human Genetics Tuebingen Variant Classification Criteria Version 2. Collection method: clinical testing. Allele origin: germline. Affected: yes. Observed: 2 variant alleles.
Comment: PTPN23: BP4, BP7

Labcorp Genetics (formerly Invitae), Labcorp
Classification: Benign. Last evaluated: 2026-01-12. Review status: criteria provided, single submitter. Criteria: Invitae Variant Classification Sherloc (09022015). Collection method: clinical testing. Allele origin: germline.

PreventionGenetics, part of Exact Sciences
Classification: Likely benign for PTPN23-related condition. Last evaluated: 2019-06-18. Review status: no assertion criteria provided. Collection method: clinical testing. Allele origin: germline. Not counted in ClinVar's aggregate classification.
Comment: This variant is classified as likely benign based on ACMG/AMP sequence variant interpretation guidelines (Richards et al. 2015 PMID: 25741868, with internal and published modifications).